The following is an entry in ClinVar:

ClinVar aggregate classification (germline): Uncertain significance (1 of 4 stars; one submission).

Conditions:
Juvenile polyposis syndrome (JPS). Identifiers: Orphanet 2929, MedGen C0345893, MONDO:0017380, OMIM 174900.

Submission:

Labcorp Genetics (formerly Invitae), Labcorp
Classification: Uncertain significance for Juvenile polyposis syndrome. Last evaluated: 2021-02-22. Review status: criteria provided, single submitter. Criteria: Invitae Variant Classification Sherloc (09022015). Collection method: clinical testing. Allele origin: germline.
Comment: This variant has not been reported in the literature in individuals with BMPR1A-related conditions. This variant is not present in population databases (ExAC no frequency). This sequence change replaces valine with leucine at codon 260 of the BMPR1A protein (p.Val260Leu). The valine residue is highly conserved and there is a small physicochemical difference between valine and leucine. In summary, the available evidence is currently insufficient to determine the role of this variant in disease. Therefore, it has been classified as a Variant of Uncertain Significance. Advanced modeling of protein sequence and biophysical properties (such as structural, functional, and spatial information, amino acid conservation, physicochemical variation, residue mobility, and thermodynamic stability) performed at Invitae indicates that this missense variant is expected to disrupt BMPR1A protein function.

NM_004329.3(BMPR1A):c.778G>T (p.Val260Leu)

Gene: BMPR1A (bone morphogenetic protein receptor type 1A; plus strand). Cytogenetic location: 10q23.2.
Variant type: single nucleotide variant.
Coding change: c.778G>T on transcript NM_004329.3 (MANE Select); coding-DNA position 778, G replaced by T.
Protein change: p.Val260Leu; replaces valine 260 with leucine.
Molecular consequence: missense variant.
Genome position (GRCh38, 1-based): chr10:86,917,236, G>T. VCF-style: chr10-86917236-G-T. GRCh37 (hg19) VCF-style: chr10-88676993-G-T.
Other names: short protein forms V260L.
Identifiers: ClinVar variation 1444091 (VCV001444091.8), dbSNP rs2133576357, ClinGen allele CA377457962.